The following is an entry in ClinVar:

NM_152732.5(RSPH9):c.671-104T>C

Gene: RSPH9 (radial spoke head component 9; plus strand). Cytogenetic location: 6p21.1.
Variant type: single nucleotide variant.
Coding change: c.671-104T>C on transcript NM_152732.5 (MANE Select); 104 bases into the intron before coding-DNA position 671, T replaced by C.
Molecular consequence: intron variant.
Genome position (GRCh38, 1-based): chr6:43,670,685, T>C. VCF-style: chr6-43670685-T-C. GRCh37 (hg19) VCF-style: chr6-43638422-T-C.
Other names: c.768-104T>C (NM_001424119.1); c.723-104T>C (NM_001193341.2); c.626-104T>C (NM_001424120.1).
Identifiers: ClinVar variation 1706939 (VCV001706939.2), dbSNP rs112769121, ClinGen allele CA138314830.

ClinVar aggregate classification (germline): Likely benign (1 of 4 stars; one submission).

Allele frequency attached by ClinVar (database versions not stated): gnomAD exomes 0.00119; gnomAD 0.01038; TOPMed 0.01165; 1000 Genomes Project 0.01278; 1000 Genomes Project 30x 0.01374.
gnomAD v4.1: 2,548 of 918,556 alleles (0.28%); highest among the groups gnomAD compares: African/African-American, 3.5%; 44 homozygotes.

Submission:

GeneDx
Classification: Likely benign. Last evaluated: 2020-09-16. Review status: criteria provided, single submitter. Criteria: GeneDx Variant Classification Process June 2021. Collection method: clinical testing. Allele origin: germline. Affected: yes.
Comment: See Variant Classification Assertion Criteria.